The following is an entry in ClinVar:

NM_001377137.1(GBF1):c.2433+6T>A

Gene: GBF1 (golgi brefeldin A resistant guanine nucleotide exchange factor 1; plus strand). Cytogenetic location: 10q24.32.
Variant type: single nucleotide variant.
Coding change: c.2433+6T>A on transcript NM_001377137.1 (MANE Select); 6 bases into the intron after coding-DNA position 2433, T replaced by A.
Molecular consequence: intron variant.
Genome position (GRCh38, 1-based): chr10:102,366,512, T>A. VCF-style: chr10-102366512-T-A. GRCh37 (hg19) VCF-style: chr10-104126269-T-A.
Other names: c.2430+6T>A (NM_001391924.1, NM_001377141.1, NM_004193.3 and 4 more transcripts); c.2433+6T>A (NM_001391923.1, NM_001199378.2); c.2529+6T>A (NM_001411027.1, NM_001391922.1); c.2505+6T>A (NM_001411003.1); c.2397+6T>A (NM_001391926.1); c.2289+6T>A (NM_001391928.1); c.2394+6T>A (NM_001391925.1, NM_001377138.1); c.2136+6T>A (NM_001377139.1, NM_001377140.1); and 1 more.
Identifiers: ClinVar variation 5002603 (VCV005002603.1).

ClinVar aggregate classification (germline): Uncertain significance (1 of 4 stars; one submission).

Conditions:
GBF1-related disorder. Also called: GBF1-related condition.

gnomAD v4.1: 4 of 1,613,432 alleles (0.00025%); highest among the groups gnomAD compares: South Asian, 0.0033%; no homozygotes.

Submission:

PreventionGenetics, part of Exact Sciences
Classification: Uncertain significance for GBF1-related condition. Last evaluated: 2024-12-20. Review status: criteria provided, single submitter. Criteria: ACMG Guidelines, 2015. Collection method: clinical testing. Allele origin: germline.
Comment: The GBF1 c.2430+6T>A variant is predicted to interfere with splicing. This variant is predicted to alter splicing based on available splicing prediction programs (SpliceAI, Jaganathan et al. 2019. PubMed ID: 30661751). To our knowledge, this variant has not been reported in the literature or in a large population database (gnomAD), indicating this variant is rare. At this time, the clinical significance of this variant is uncertain due to the absence of conclusive functional and genetic evidence.